The following is an entry in ClinVar:

NM_182978.4(GNAL):c.1254C>T (p.Asp418=)

Gene: GNAL (G protein subunit alpha L; plus strand). Cytogenetic location: 18p11.21.
Variant type: single nucleotide variant.
Coding change: c.1254C>T on transcript NM_182978.4 (MANE Select); coding-DNA position 1254, C replaced by T.
Protein change: p.Asp418=; no amino-acid change (aspartic acid 418 retained).
Molecular consequence: synonymous variant.
Genome position (GRCh38, 1-based): chr18:11,881,012, C>T. VCF-style: chr18-11881012-C-T. GRCh37 (hg19) VCF-style: chr18-11881011-C-T.
Other names: c.1023C>T, p.Asp341= (NM_001142339.3, NM_001261443.2, NM_001369387.1); c.402C>T, p.Asp134= (NM_001261444.2).
Identifiers: ClinVar variation 1117103 (VCV001117103.23), dbSNP rs752479000, ClinGen allele CA8894264.
Genomic context (GRCh38, chr18:11,881,012, plus strand): 5'-GGCCGCGCAGGGCTAGTGCACACGCTCTCTCTTGCAGAGGATCAGCACGGCCACCGGTGA[C>T]GGCAAACATTACTGCTACCCGCACTTCACCTGCGCCGTGGACACAGAGAACATCCGCAGG-3'
Protein context (NP_892023.1, residues 408-428): LFLRISTATG[Asp418=]GKHYCYPHFT

ClinVar aggregate classification (germline): Likely benign. Review status: criteria provided, multiple submitters, no conflicts (2 of 4 stars). 2 submissions from 2 submitters: Likely benign (2). Last evaluated 2024-11-01.

Conditions:
Dystonic disorder. Also called: Dystonia. Identifiers: MedGen C0013421, MONDO:0003441, HP:0001332.

Allele frequency attached by ClinVar (database versions not stated): gnomAD 0.00001; TOPMed 0.00002.
gnomAD v4.1: 42 of 1,613,984 alleles (0.0026%); highest among the groups gnomAD compares: East Asian, 0.0045%; no homozygotes.

Submissions (2):

CeGaT Center for Human Genetics Tuebingen
Classification: Likely benign. Last evaluated: 2024-11-01. Review status: criteria provided, single submitter. Criteria: CeGaT Center For Human Genetics Tuebingen Variant Classification Criteria Version 2. Collection method: clinical testing. Allele origin: germline. Affected: yes. Observed: 1 variant allele.
Comment: GNAL: BP4, BP7

Labcorp Genetics (formerly Invitae), Labcorp
Classification: Likely benign for Dystonic disorder. Last evaluated: 2019-07-02. Review status: criteria provided, single submitter. Criteria: Invitae Variant Classification Sherloc (09022015). Collection method: clinical testing. Allele origin: germline.